The following is an entry in ClinVar:

NM_001126108.2(SLC12A3):c.2964_2969dup (p.Tyr990Ter)

Genes: SLC12A3 (solute carrier family 12 member 3; plus strand), LOC126862361 (CDK7 strongly-dependent group 2 enhancer GRCh37_chr16:56946332-56947531; plus strand). Cytogenetic location: 16q13.
Variant type: Duplication.
Coding change: c.2964_2969dup on transcript NM_001126108.2 (MANE Select); coding-DNA positions 2964 to 2969, 6 bases duplicated (GCTGTA; older notation c.2964_2969dupGCTGTA).
Protein change: p.Tyr990Ter; replaces tyrosine 990 with a stop codon.
Molecular consequence: nonsense.
Genome position (GRCh38, 1-based): chr16:56,913,303-56,913,308, GCTGTA duplicated. VCF-style (leftmost placement, unchanged base first): chr16-56913302-C-CGCTGTA. GRCh37 (hg19) VCF-style: chr16-56947214-C-CGCTGTA.
Other names: c.2991_2996dup, p.Tyr999Ter (NM_000339.3); c.2988_2993dup, p.Tyr998Ter (NM_001126107.2); c.2961_2966dup, p.Tyr989Ter (NM_001410896.1); short protein forms Y989*, Y990*, Y998*, Y999*.
Identifiers: ClinVar variation 4818210 (VCV004818210.1).

ClinVar aggregate classification (germline): Likely pathogenic (1 of 4 stars; one submission).

Conditions:
Familial hypokalemia-hypomagnesemia (GTLMNS). Also called: POTASSIUM AND MAGNESIUM DEPLETION; HYPOMAGNESEMIA-HYPOKALEMIA, PRIMARY RENOTUBULAR, WITH HYPOCALCIURIA; gitelman syndrome. Identifiers: Orphanet 358, MedGen C0268450, MONDO:0009904, OMIM 263800.

Submission:

Natera, Inc.
Classification: Likely pathogenic for Gitelman syndrome. Last evaluated: 2024-11-05. Review status: criteria provided, single submitter. Criteria: Natera Variant Classification Schema (03/2026). Collection method: clinical testing. Allele origin: germline.
Comment: The c.2991_2996dup variant in SLC12A3 is an in-frame insertion. This variant is expected to result in nonsense mediated decay, truncation, or a dysfunctional protein product. This variant is rare in the general population with a frequency below the threshold expected for the associated phenotype(s). Given the available evidence, this variant is classified as Likely Pathogenic.